The following is an entry in ClinVar:

ClinVar aggregate classification (germline): Uncertain significance (1 of 4 stars; one submission).

Allele frequency attached by ClinVar (database versions not stated): 1000 Genomes Project 30x 0.00016.
gnomAD v4.1: 4 of 1,551,314 alleles (0.00026%); highest among the groups gnomAD compares: East Asian, 0.0024%; no homozygotes.

Submission:

Labcorp Genetics (formerly Invitae), Labcorp
Classification: Uncertain significance. Last evaluated: 2024-10-22. Review status: criteria provided, single submitter. Criteria: Invitae Variant Classification Sherloc (09022015). Collection method: clinical testing. Allele origin: germline.
Comment: This sequence change replaces serine, which is neutral and polar, with cysteine, which is neutral and slightly polar, at codon 337 of the CPLANE1 protein (p.Ser337Cys). This variant is not present in population databases (gnomAD no frequency). This variant has not been reported in the literature in individuals affected with CPLANE1-related conditions. ClinVar contains an entry for this variant (Variation ID: 2182530). Invitae Evidence Modeling of protein sequence and biophysical properties (such as structural, functional, and spatial information, amino acid conservation, physicochemical variation, residue mobility, and thermodynamic stability) indicates that this missense variant is not expected to disrupt CPLANE1 protein function with a negative predictive value of 95%. In summary, the available evidence is currently insufficient to determine the role of this variant in disease. Therefore, it has been classified as a Variant of Uncertain Significance.

NM_001384732.1(CPLANE1):c.1010C>G (p.Ser337Cys)

Gene: CPLANE1 (ciliogenesis and planar polarity effector complex subunit 1; minus strand). Cytogenetic location: 5p13.2.
Variant type: single nucleotide variant.
Coding change: c.1010C>G on transcript NM_001384732.1 (MANE Select); coding-DNA position 1010, C replaced by G.
Protein change: p.Ser337Cys; replaces serine 337 with cysteine.
Molecular consequence: missense variant.
Genome position (GRCh38, 1-based): chr5:37,230,978, G>C on the plus strand (C>G on the coding strand, the complement: CPLANE1 is on the minus strand). VCF-style: chr5-37230978-G-C. GRCh37 (hg19) VCF-style: chr5-37231080-G-C.
Other names: c.1010C>G, p.Ser337Cys (NM_023073.4); short protein forms S337C.
Identifiers: ClinVar variation 2182530 (VCV002182530.4), dbSNP rs1011881815, ClinGen allele CA117060371.